The following is an entry in ClinVar:

NM_000245.4(MET):c.2952A>G (p.Val984=)

Gene: MET (MET proto-oncogene, receptor tyrosine kinase; plus strand). Cytogenetic location: 7q31.2.
Variant type: single nucleotide variant.
Coding change: c.2952A>G on transcript NM_000245.4 (MANE Select); coding-DNA position 2952, A replaced by G.
Protein change: p.Val984=; no amino-acid change (valine 984 retained).
Molecular consequence: synonymous variant.
Genome position (GRCh38, 1-based): chr7:116,771,913, A>G. VCF-style: chr7-116771913-A-G. GRCh37 (hg19) VCF-style: chr7-116411967-A-G.
Other names: c.3006A>G, p.Val1002= (NM_001127500.3); c.1662A>G, p.Val554= (NM_001324402.2).
Identifiers: ClinVar variation 3773489 (VCV003773489.1).

ClinVar aggregate classification (germline): Benign (1 of 4 stars; one submission).

Conditions:
Papillary renal cell carcinoma type 1 (RCCP1). Also called: RENAL CELL CARCINOMA, PAPILLARY, 1, SOMATIC; Renal adenocarcinoma; Renal cell carcinoma 1; Renal cell carcinoma, somatic. Identifiers: Orphanet 47044, MedGen C1336839, OMIM 605074, HP:0011797.

Submission:

Myriad Genetics, Inc.
Classification: Benign for Papillary renal cell carcinoma type 1. Last evaluated: 2024-11-12. Review status: criteria provided, single submitter. Criteria: Myriad Autosomal Dominant, Autosomal Recessive and X-Linked Classification Criteria (2023). Collection method: clinical testing. Allele origin: unknown.
Comment: This variant is considered benign. This variant is a silent/synonymous amino acid change and it is not expected to impact splicing.